The following is an entry in ClinVar:

NM_001267550.2(TTN):c.32164G>A (p.Val10722Ile)

Gene: TTN (titin; minus strand). Cytogenetic location: 2q31.2.
Variant type: single nucleotide variant.
Coding change: c.32164G>A on transcript NM_001267550.2 (MANE Select); coding-DNA position 32164, G replaced by A.
Protein change: p.Val10722Ile; replaces valine 10722 with isoleucine.
Molecular consequence: missense variant. On other transcripts: intron variant (3).
Genome position (GRCh38, 1-based): chr2:178,688,710, C>T on the plus strand (G>A on the coding strand, the complement: TTN is on the minus strand). VCF-style: chr2-178688710-C-T. GRCh37 (hg19) VCF-style: chr2-179553437-C-T.
Other names: p.Val10405Ile; c.31213G>A, p.Val10405Ile (NM_001256850.1); c.28432G>A, p.Val9478Ile (NM_133378.4); c.13283-46393G>A (NM_003319.4); c.13859-46393G>A (NM_133437.4); c.13658-46393G>A (NM_133432.3); short protein forms V10722I, V10405I, V9478I.
Identifiers: ClinVar variation 467011 (VCV000467011.5), dbSNP rs763742779, ClinGen allele CA1998714.

ClinVar aggregate classification (germline): Conflicting classifications of pathogenicity. Review status: criteria provided, conflicting classifications (1 of 4 stars). 3 submissions from 3 submitters: Uncertain significance (2); Likely benign (1). Last evaluated 2023-12-27.

Conditions:
Cardiomyopathy (CMYO). Also called: Cardiomyopathies. Identifiers: Orphanet 167848, MedGen C0878544, MONDO:0004994, HP:0001638. Inheritance: Various modes of inheritance.
Autosomal recessive limb-girdle muscular dystrophy type 2J (LGMDR10). Also called: Limb-girdle muscular dystrophy, type 2J; MUSCULAR DYSTROPHY, LIMB-GIRDLE, AUTOSOMAL RECESSIVE 10. Identifiers: Orphanet 140922, MedGen C1837342, MONDO:0012127, OMIM 608807.
Dilated cardiomyopathy 1G (CMD1G). Identifiers: Orphanet 154, MedGen C1858763, MONDO:0011400, OMIM 604145.

Allele frequency attached by ClinVar (database versions not stated): gnomAD exomes below 0.00001 and 0.00001; ExAC 0.00001.
gnomAD v4.1: 8 of 1,613,860 alleles (0.0005%); highest among the groups gnomAD compares: Non-Finnish European, 0.00068%; no homozygotes.

Submissions (3):

Mayo Clinic Laboratories, Mayo Clinic
Classification: Uncertain significance. Last evaluated: 2023-12-27. Review status: criteria provided, single submitter. Criteria: ACMG Guidelines, 2015. Collection method: clinical testing. Allele origin: germline. Observed: 1 variant allele.
Comment: BP4, PM2

CHEO Genetics Diagnostic Laboratory, Children's Hospital of Eastern Ontario
Classification: Likely benign for Cardiomyopathy. Last evaluated: 2023-05-11. Review status: criteria provided, single submitter. Criteria: ACMG Guidelines, 2015. Collection method: clinical testing. Allele origin: germline.

Labcorp Genetics (formerly Invitae), Labcorp
Classification: Uncertain significance for Dilated cardiomyopathy 1G; Autosomal recessive limb-girdle muscular dystrophy type 2J. Last evaluated: 2017-07-25. Review status: criteria provided, single submitter. Criteria: Invitae Variant Classification Sherloc (09022015). Collection method: clinical testing. Allele origin: germline.